The following is an entry in ClinVar:

NM_007315.4(STAT1):c.820C>T (p.Arg274Trp)

Gene: STAT1 (signal transducer and activator of transcription 1; minus strand). Cytogenetic location: 2q32.2.
Variant type: single nucleotide variant.
Coding change: c.820C>T on transcript NM_007315.4 (MANE Select); coding-DNA position 820, C replaced by T.
Protein change: p.Arg274Trp; replaces arginine 274 with tryptophan.
Molecular consequence: missense variant. On other transcripts: intron variant (1).
Genome position (GRCh38, 1-based): chr2:190,995,185, G>A on the plus strand (C>T on the coding strand, the complement: STAT1 is on the minus strand). VCF-style: chr2-190995185-G-A. GRCh37 (hg19) VCF-style: chr2-191859911-G-A.
Other names: c.820C>T, p.Arg274Trp (NM_001384880.1, NM_001384882.1, NM_001384886.1 and 4 more transcripts); c.826C>T, p.Arg276Trp (NM_001384881.1, NM_001384884.1); c.721C>T, p.Arg241Trp (NM_001384883.1); c.730C>T, p.Arg244Trp (NM_001384890.1); c.856C>T, p.Arg286Trp (NM_001384891.1); c.785+2671C>T (NM_001384885.1); short protein forms R274W, R241W, R244W, R276W, R286W.
Identifiers: ClinVar variation 30083 (VCV000030083.57), dbSNP rs387906758, ClinGen allele CA128924.
Genomic context (GRCh38, chr2:190,995,185, plus strand): 5'-TAGGGTCATGTTCGTAGGTGTATTTCTGTTCCAATTCCTCCAACTTTTTAAGCTGCTGCC[G>A]AACTTGCTGCAGACTCTCCGCAACTATAGTGAACCTGGGAAGACACAAGACACAGATGTC-3'
Protein context (NP_009330.1, residues 264-284): TIVAESLQQV[Arg274Trp]QQLKKLEELE

ClinVar aggregate classification (germline): Pathogenic. Review status: criteria provided, multiple submitters, no conflicts (2 of 4 stars). 10 submissions from 10 submitters: Pathogenic (9). 1 of the submissions does not count toward it. Last evaluated 2026-08-11.

Conditions:
Mendelian susceptibility to mycobacterial diseases due to partial STAT1 deficiency. Also called: IMMUNODEFICIENCY 31A, MYCOBACTERIOSIS, AUTOSOMAL DOMINANT; STAT1 DEFICIENCY, AUTOSOMAL DOMINANT; Immunodeficiency 31a. Identifiers: Orphanet 319595, MedGen C4013950, MONDO:0013956, OMIM 614892.
Autoimmune enteropathy and endocrinopathy - susceptibility to chronic infections syndrome. Also called: Immunodeficiency 31C, autosomal dominant; Immunodeficiency 31C. Identifiers: Orphanet 391487, MedGen C3279990, MONDO:0013599, OMIM 614162.
Immunodeficiency 31B. Also called: IMMUNODEFICIENCY 31B, MYCOBACTERIAL AND VIRAL INFECTIONS, AUTOSOMAL RECESSIVE; STAT1 DEFICIENCY, AUTOSOMAL RECESSIVE. Identifiers: Orphanet 391311, MedGen C3151088, MONDO:0013427, OMIM 613796.
STAT1-related disorder. Also called: STAT1-related condition.

Submissions (10):

Laboratory of Clinical Immunology, Infection and Allergy, Faculty of Medicine and Pharmacy of Casablanca, University of Hassan II Casablanca
Classification: Pathogenic for Autoimmune enteropathy and endocrinopathy - susceptibility to chronic infections syndrome. Last evaluated: 2026-08-11. Review status: criteria provided, single submitter. Criteria: ACMG Guidelines, 2015. Collection method: clinical testing. Allele origin: germline. Affected: yes. Observed: 1 variant allele.
Comment: This missense change replaces arginine with tryptophan at position 274 of the STAT1 protein, within the coiled-coil domain, a well-established mutational hotspot for gain-of-function variants in this gene (PM1). The variant is absent from population databases, including gnomAD (PM2). Published functional studies demonstrate increased interferon-induced STAT1 phosphorylation and transcriptional activity for this substitution, consistent with a gain-of-function mechanism (PS3). Computational tools predict a damaging effect (CADD 32.0) (PP3). In summary, on the basis of PS3, PS4, PM1, PM2, PP3 and PP4, this variant is classified as Pathogenic.

CeGaT Center for Human Genetics Tuebingen
Classification: Pathogenic. Last evaluated: 2025-11-01. Review status: criteria provided, single submitter. Criteria: CeGaT Center For Human Genetics Tuebingen Variant Classification Criteria Version 2. Collection method: clinical testing. Allele origin: germline. Affected: yes. Observed: 2 variant alleles.
Comment: STAT1: PP1:Strong, PS4, PM1, PM2, PM5, PS3:Moderate, PM6:Supporting, PP2

Labcorp Genetics (formerly Invitae), Labcorp
Classification: Pathogenic for Mendelian susceptibility to mycobacterial diseases due to partial STAT1 deficiency; Immunodeficiency 31B; Autoimmune enteropathy and endocrinopathy - susceptibility to chronic infections syndrome. Last evaluated: 2025-07-08. Review status: criteria provided, single submitter. Criteria: Invitae Variant Classification Sherloc (09022015). Collection method: clinical testing. Allele origin: germline.
Comment: This sequence change replaces arginine, which is basic and polar, with tryptophan, which is neutral and slightly polar, at codon 274 of the STAT1 protein (p.Arg274Trp). This variant is not present in population databases (gnomAD no frequency). This missense change has been observed in individual(s) with chronic mucocutaneous candidiasis (PMID: 21714643, 21727188, 25326637, 25367169, 26604104). In at least one individual the variant was observed to be de novo. It has also been observed to segregate with disease in related individuals. ClinVar contains an entry for this variant (Variation ID: 30083). An algorithm developed to predict the effect of missense changes on protein structure and function (PolyPhen-2) suggests that this variant is likely to be disruptive. Experimental studies have shown that this missense change affects STAT1 function (PMID: 21714643, 22195034, 26255980). For these reasons, this variant has been classified as Pathogenic.

Center for Genomic Medicine, Rigshospitalet, Copenhagen University Hospital
Classification: Pathogenic. Last evaluated: 2025-03-04. Review status: criteria provided, single submitter. Criteria: ACMG Guidelines, 2015. Collection method: clinical testing. Allele origin: germline.

GeneDx
Classification: Pathogenic. Last evaluated: 2025-02-25. Review status: criteria provided, single submitter. Criteria: GeneDx Variant Classification Process June 2021. Collection method: clinical testing. Allele origin: germline. Affected: yes.
Comment: Published functional studies using transfected and primary cells support R274W results in a defective IL23 and IL12 receptor pathway and hyper-responsive IFN-gamma pathway (PMID: 22195034); In vitro assays demonstrate that R274W exhibits a gain-of-function effect on the protein (PMID: 31336247); In silico analysis supports that this missense variant has a deleterious effect on protein structure/function; Not observed at significant frequency in large population cohorts (gnomAD); This variant is associated with the following publications: (PMID: 31315996, 26080282, 25367169, 21714643, 26604104, 26255980, 22195034, 29111217, 30576757, 23709754, 30092289, 33133069, 32888943, 33679782, 35753512, 33864888, 37199901, 36683786, 34390440, 21727188, 31336247)

Blueprint Genetics
Classification: Pathogenic for STAT1-related disorders. Last evaluated: 2024-01-15. Review status: criteria provided, single submitter. Criteria: ACMG Guidelines, 2015. Collection method: clinical testing. Allele origin: germline. Affected: yes. Observed: 1 variant allele.

PreventionGenetics, part of Exact Sciences
Classification: Pathogenic for STAT1-related condition. Last evaluated: 2023-01-24. Review status: criteria provided, single submitter. Criteria: ACMG Guidelines, 2015. Collection method: clinical testing. Allele origin: germline.
Comment: The STAT1 c.820C>T variant is predicted to result in the amino acid substitution p.Arg274Trp. This variant has been reported in the heterozygous state in individuals with chronic mucocutaneous candidiasis and immunodeficiency (Tables S9 and S10, van de Veerdonk et al. 2011. PubMed ID: 21714643; Depner et al. 2016. PubMed ID: 26604104; Patient S103, Baxter et al. 2021. PubMed ID: 33864888). Of note, this variant segregated with disease in one family, being present in three affected family members and was not identified in nine unaffected individuals (Tables S9 and S10, van de Veerdonk et al. 2011. PubMed ID: 21714643). Of note, other variants impacting p.Arg274 have also been reported in individuals with mucocutaneous candidiasis or disseminated histoplasmosis (p.Arg274Gly and p.Arg274Gln; Liu. 2011. PubMed ID: 21727188; Patient 5, Sampaio et al. 2013. PubMed ID: 23541320; Depner et al. 2016. PubMed ID: 26604104). Of note, all of these variants impacting p.Arg274 have been reported to be gain-of-function variants. This variant has not been reported in a large population database, indicating this variant is rare, and is reported as pathogenic in ClinVar. This variant is interpreted as pathogenic.

3billion
Classification: Pathogenic for Autoimmune enteropathy and endocrinopathy - susceptibility to chronic infections syndrome. Last evaluated: 2022-05-22. Review status: criteria provided, single submitter. Criteria: ACMG Guidelines, 2015. Collection method: clinical testing. Allele origin: germline. Affected: yes. Observed: 1 heterozygote.
Comment: The variant is not observed in the gnomAD v2.1.1 dataset. Missense changes are a common disease-causing mechanism. In silico tool predictions suggest damaging effect of the variant on gene or gene product (REVEL: 0.85; 3Cnet: 0.99). Same nucleotide change resulting in same amino acid change has been previously reported as pathogenic/likely pathogenic with strong evidence (ClinVar ID: VCV000030083). The variant has been previously reported as de novo in at least one similarly affected unrelated individual (3billion dataset). and to co-segregate with the disease in multiple similarly affected individuals from unrelated families (PMID:21727188). Different missense changes at the same codon (p.Arg274Gln, p.Arg274Gly) have been reported as pathogenic/likely pathogenic with strong evidence (ClinVar ID: VCV000030085, VCV000160354). Therefore, this variant is classified as pathogenic according to the recommendation of ACMG/AMP guideline.

UCLA Clinical Genomics Center, UCLA
Classification: Pathogenic for Immunodeficiency 31C. Last evaluated: 2012-08-21. Review status: criteria provided, single submitter. Criteria: Lee et al. (JAMA. 2014). Collection method: clinical testing. Allele origin: de novo. Inheritance: Autosomal dominant inheritance. Affected: yes. Study: CES.

OMIM
Classification: Pathogenic for IMMUNODEFICIENCY 31C. Last evaluated: 2011-08-01. Review status: no assertion criteria provided. Collection method: literature only. Allele origin: germline. Not counted in ClinVar's aggregate classification.

Literature cited by the submitters: PubMed 39175777 (cited by Laboratory of Clinical Immunology, Infection and Allergy, Faculty of Medicine and Pharmacy of Casablanca, University of Hassan II Casablanca); PubMed 21670302 (cited by Laboratory of Clinical Immunology, Infection and Allergy, Faculty of Medicine and Pharmacy of Casablanca, University of Hassan II Casablanca); PubMed 21714643 (cited by Labcorp Genetics (formerly Invitae), Labcorp and OMIM); PubMed 21727188 (cited by 4 submitters); PubMed 25326637 (cited by Labcorp Genetics (formerly Invitae), Labcorp); PubMed 25367169 (cited by Labcorp Genetics (formerly Invitae), Labcorp); PubMed 26604104 (cited by Labcorp Genetics (formerly Invitae), Labcorp and Center for Genomic Medicine, Rigshospitalet, Copenhagen University Hospital); PubMed 22195034 (cited by Labcorp Genetics (formerly Invitae), Labcorp); PubMed 26255980 (cited by Labcorp Genetics (formerly Invitae), Labcorp); PubMed 28258222 (cited by Center for Genomic Medicine, Rigshospitalet, Copenhagen University Hospital).